The following is an entry in ClinVar:

NM_001002295.2(GATA3):c.724G>A (p.Gly242Ser)

Gene: GATA3 (GATA binding protein 3; plus strand). Cytogenetic location: 10p14.
Variant type: single nucleotide variant.
Coding change: c.724G>A on transcript NM_001002295.2 (MANE Select); coding-DNA position 724, G replaced by A.
Protein change: p.Gly242Ser; replaces glycine 242 with serine.
Molecular consequence: missense variant.
Genome position (GRCh38, 1-based): chr10:8,058,787, G>A. VCF-style: chr10-8058787-G-A. GRCh37 (hg19) VCF-style: chr10-8100750-G-A.
Other names: c.724G>A, p.Gly242Ser (NM_002051.3); short protein forms G242S.
Identifiers: ClinVar variation 1181898 (VCV001181898.8), dbSNP rs11567901, ClinGen allele CA5404440.

ClinVar aggregate classification (germline): Likely benign. Review status: criteria provided, multiple submitters, no conflicts (2 of 4 stars). 4 submissions from 4 submitters: Likely benign (3). 1 of the submissions does not count toward it. Last evaluated 2025-12-17.

Conditions:
GATA3-related disorder. Also called: GATA3-related condition.
Hypoparathyroidism, deafness, renal disease syndrome (HDRS). Also called: HYPOPARATHYROIDISM, SENSORINEURAL DEAFNESS, AND RENAL DYSPLASIA SYNDROME. Identifiers: Orphanet 2237, MedGen C1840333, MONDO:0007797, OMIM 146255.

Allele frequency attached by ClinVar (database versions not stated): 1000 Genomes Project 30x 0.00016; 1000 Genomes Project 0.00020; ESP Exome Variant Server 0.00077.

Submissions (4):

Labcorp Genetics (formerly Invitae), Labcorp
Classification: Likely benign. Last evaluated: 2025-12-17. Review status: criteria provided, single submitter. Criteria: Invitae Variant Classification Sherloc (09022015). Collection method: clinical testing. Allele origin: germline.

Fulgent Genetics
Classification: Likely benign for Hypoparathyroidism, deafness, renal disease syndrome. Last evaluated: 2022-03-21. Review status: criteria provided, single submitter. Criteria: ACMG Guidelines, 2015. Collection method: clinical testing. Allele origin: unknown.

GeneDx
Classification: Likely benign. Last evaluated: 2020-10-28. Review status: criteria provided, single submitter. Criteria: GeneDx Variant Classification Process June 2021. Collection method: clinical testing. Allele origin: germline. Affected: yes.

PreventionGenetics, part of Exact Sciences
Classification: Likely benign for GATA3-related condition. Last evaluated: 2020-06-29. Review status: no assertion criteria provided. Collection method: clinical testing. Allele origin: germline. Not counted in ClinVar's aggregate classification.
Comment: This variant is classified as likely benign based on ACMG/AMP sequence variant interpretation guidelines (Richards et al. 2015 PMID: 25741868, with internal and published modifications).